The following is an entry in ClinVar:

ClinVar aggregate classification (germline): Benign/Likely benign. Review status: criteria provided, multiple submitters, no conflicts (2 of 4 stars). 3 submissions from 3 submitters: Benign (1); Likely benign (2). Last evaluated 2026-07-20.

Conditions:
Familial adenomatous polyposis 1 (FAP1). Also called: FAMILIAL ADENOMATOUS POLYPOSIS 1, ATTENUATED; POLYPOSIS, ADENOMATOUS INTESTINAL. Identifiers: MedGen C2713442, MONDO:0021056, OMIM 175100. Disease mechanism: loss of function.
Hereditary cancer-predisposing syndrome. Also called: Neoplastic Syndromes, Hereditary; Tumor predisposition; Hereditary Cancer Syndrome; Hereditary neoplastic syndrome. Identifiers: Orphanet 140162, MedGen C0027672, MeSH D009386, MONDO:0015356.

gnomAD v4.1: 1 of 1,613,874 alleles (0.000062%); no homozygotes.

Submissions (3):

Ambry Genetics
Classification: Likely benign for Hereditary cancer-predisposing syndrome. Last evaluated: 2026-07-20. Review status: criteria provided, single submitter. Criteria: Ambry Variant Classification Scheme 2023. Collection method: clinical testing. Allele origin: germline.

Labcorp Genetics (formerly Invitae), Labcorp
Classification: Likely benign for Familial adenomatous polyposis 1. Last evaluated: 2024-08-15. Review status: criteria provided, single submitter. Criteria: Invitae Variant Classification Sherloc (09022015). Collection method: clinical testing. Allele origin: germline.

Myriad Genetics, Inc.
Classification: Benign for Familial adenomatous polyposis 1. Last evaluated: 2024-04-02. Review status: criteria provided, single submitter. Criteria: Myriad Autosomal Dominant, Autosomal Recessive and X-Linked Classification Criteria (2023). Collection method: clinical testing. Allele origin: unknown.
Comment: This variant is considered benign. This variant is a silent/synonymous amino acid change and it is not expected to impact splicing.

NM_000038.6(APC):c.5832G>A (p.Gly1944=)

Gene: APC (APC regulator of Wnt signaling pathway; plus strand). Cytogenetic location: 5q22.2.
Variant type: single nucleotide variant.
Coding change: c.5832G>A on transcript NM_000038.6 (MANE Select); coding-DNA position 5832, G replaced by A.
Protein change: p.Gly1944=; no amino-acid change (glycine 1944 retained).
Molecular consequence: synonymous variant. On other transcripts: non-coding transcript variant (2).
Genome position (GRCh38, 1-based): chr5:112,841,426, G>A. VCF-style: chr5-112841426-G-A. GRCh37 (hg19) VCF-style: chr5-112177123-G-A.
Other names: c.5583G>A, p.Gly1861= (NM_001407456.1, NM_001407457.1, NM_001407454.1 and 1 more transcripts); c.5529G>A, p.Gly1843= (NM_001407458.1, NM_001407459.1, NM_001407460.1 and 1 more transcripts); c.5445G>A, p.Gly1815= (NM_001407467.1, NM_001407469.1); c.4983G>A, p.Gly1661= (NM_001407470.1, NM_001354906.2); c.4680G>A, p.Gly1560= (NM_001407471.1, NM_001407472.1); c.5832G>A, p.Gly1944= (NM_001127510.3, NM_001354895.2, NM_001407450.1); c.5778G>A, p.Gly1926= (NM_001127511.3); c.5886G>A, p.Gly1962= (NM_001354896.2, NM_001407447.1, NM_001407448.1 and 1 more transcripts); and 12 more.
Identifiers: ClinVar variation 3253797 (VCV003253797.4), dbSNP rs1286149699.